The following is an entry in ClinVar:

ClinVar aggregate classification (germline): Likely pathogenic. Review status: criteria provided, multiple submitters, no conflicts (2 of 4 stars). 2 submissions from 2 submitters: Likely pathogenic (2). Last evaluated 2025-03-11.

Conditions:
Nemaline myopathy 2 (NEM2). Also called: Nemaline myopathy 2, autosomal recessive. Identifiers: MedGen C1850569, MONDO:0009725, OMIM 256030.
Arthrogryposis multiplex congenita 6. Identifiers: MedGen C5543431, MONDO:0030281, OMIM 619334.

Submissions (2):

Natera, Inc.
Classification: Likely pathogenic for Nemaline myopathy type 2. Last evaluated: 2025-03-11. Review status: criteria provided, single submitter. Criteria: Natera Variant Classification Schema (03/2026). Collection method: clinical testing. Allele origin: germline.
Comment: The c.3537_3540del variant in NEB is a frameshift variant predicted to shift the reading frame beginning at codon 1180 and leads to a stop codon 3 codons downstream. This variant is expected to result in nonsense mediated decay, truncation, or a dysfunctional protein product. This variant is rare in the general population with a frequency below the threshold expected for the associated phenotype(s). Given the available evidence, this variant is classified as Likely Pathogenic.

Baylor Genetics
Classification: Likely pathogenic for Arthrogryposis multiplex congenita 6. Last evaluated: 2024-01-23. Review status: criteria provided, single submitter. Criteria: ACMG Guidelines, 2015. Collection method: clinical testing. Allele origin: unknown.

NM_001164508.2(NEB):c.3537_3540del (p.Ser1180fs)

Gene: NEB (nebulin; minus strand). Cytogenetic location: 2q23.3.
Variant type: Deletion.
Coding change: c.3537_3540del on transcript NM_001164508.2 (MANE Select); coding-DNA positions 3537 to 3540, 4 bases deleted (GTCT; older notation c.3537_3540delGTCT).
Protein change: p.Ser1180fs; shifts the reading frame from serine 1180.
Molecular consequence: frameshift variant.
Genome position (GRCh38, 1-based): chr2:151,677,903-151,677,906, AGAC deleted on the plus strand (GTCT on the coding strand, the reverse complement: NEB is on the minus strand); deleting any 4 consecutive bases within chr2:151,677,903-151,677,908 gives the same sequence; the c. name uses the placement nearest the transcript's 3' end. VCF-style (leftmost placement, unchanged base first): chr2-151677902-TAGAC-T. GRCh37 (hg19) VCF-style: chr2-152534416-TAGAC-T.
Other names: c.3537_3540del (NM_001271208.1); c.3537_3540del, p.Ser1180fs (NM_001164507.2, NM_001271208.2, NM_004543.5); c.3535_3538delCTGT, p.Ser1180Argfs (NM_001271208.1); short protein forms S1180fs.
Identifiers: ClinVar variation 2677157 (VCV002677157.4), dbSNP rs2552262635, ClinGen allele CA2695197055.
Genomic context (GRCh38, chr2:151,677,902, plus strand): 5'-TAGGGGGGTTTCTTGAGAAGTAAATGACACTTACATCACTCTGTATCTGCATCATGTTCT[TAGAC>T]AGCTCCAGGTCCATGGCGTCAGGCAAGTAGGTGTAATGATGGAGAGAATGCTTATAGTTG-3'